The following is an entry in ClinVar:

ClinVar aggregate classification (germline): Uncertain significance. Review status: criteria provided, multiple submitters, no conflicts (2 of 4 stars). 2 submissions from 2 submitters: Uncertain significance (2). Last evaluated 2026-03-02.

Conditions:
Familial hypobetalipoproteinemia 1. Also called: Hypobetalipoproteinemia, normotriglyceridemic; Acanthocytosis with hypobetalipoproteinemia; APOB-Related Familial Hypobetalipoproteinemia. Identifiers: MedGen C4551990, MONDO:0014252, OMIM 615558.
Hypercholesterolemia, autosomal dominant, type B (FHCL2). Also called: Familial Hypercholesterolemia Type B; HYPERCHOLESTEROLEMIA, FAMILIAL, DUE TO LIGAND-DEFECTIVE APOLIPOPROTEIN B; Familial hypercholesterolemia 2; APOB-Related Familial Hypercholesterolemia, Autosomal Dominant; APOLIPOPROTEIN B-100, FAMILIAL DEFECTIVE; APOLIPOPROTEIN B-100, FAMILIAL LIGAND-DEFECTIVE. Identifiers: MedGen C1704417, MONDO:0007751, OMIM 144010.
Cardiovascular phenotype. Identifiers: MedGen CN230736.

Allele frequency attached by ClinVar (database versions not stated): gnomAD exomes below 0.00001; gnomAD 0.00001; TOPMed 0.00003.
gnomAD v4.1: 2 of 1,613,992 alleles (0.00012%); highest among the groups gnomAD compares: Admixed American, 0.0017%; no homozygotes.

Submissions (2):

Ambry Genetics
Classification: Uncertain significance for Cardiovascular phenotype. Last evaluated: 2026-03-02. Review status: criteria provided, single submitter. Criteria: Ambry Variant Classification Scheme 2023. Collection method: clinical testing. Allele origin: germline.

Labcorp Genetics (formerly Invitae), Labcorp
Classification: Uncertain significance for Familial hypobetalipoproteinemia 1; Hypercholesterolemia, autosomal dominant, type B. Last evaluated: 2021-08-24. Review status: criteria provided, single submitter. Criteria: Invitae Variant Classification Sherloc (09022015). Collection method: clinical testing. Allele origin: germline.
Comment: This sequence change replaces asparagine with lysine at codon 3447 of the APOB protein (p.Asn3447Lys). The asparagine residue is moderately conserved and there is a moderate physicochemical difference between asparagine and lysine. This variant is not present in population databases (ExAC no frequency). This variant has not been reported in the literature in individuals affected with APOB-related conditions. Algorithms developed to predict the effect of missense changes on protein structure and function are either unavailable or do not agree on the potential impact of this missense change (SIFT: "Deleterious"; PolyPhen-2: "Probably Damaging"; Align-GVGD: "Class C0"). In summary, the available evidence is currently insufficient to determine the role of this variant in disease. Therefore, it has been classified as a Variant of Uncertain Significance.

NM_000384.3(APOB):c.10341T>A (p.Asn3447Lys)

Gene: APOB (apolipoprotein B; minus strand). Cytogenetic location: 2p24.1.
Variant type: single nucleotide variant.
Coding change: c.10341T>A on transcript NM_000384.3 (MANE Select); coding-DNA position 10341, T replaced by A.
Protein change: p.Asn3447Lys; replaces asparagine 3447 with lysine.
Molecular consequence: missense variant.
Genome position (GRCh38, 1-based): chr2:21,006,527, A>T on the plus strand (T>A on the coding strand, the complement: APOB is on the minus strand). VCF-style: chr2-21006527-A-T. GRCh37 (hg19) VCF-style: chr2-21229399-A-T.
Other names: short protein forms N3447K.
Identifiers: ClinVar variation 942224 (VCV000942224.10), dbSNP rs1290131269, ClinGen allele CA345986740.